The following is an entry in ClinVar:

NM_000362.5(TIMP3):c.*2853G>A

Genes: SYN3 (synapsin III; minus strand), TIMP3 (TIMP metallopeptidase inhibitor 3; plus strand). Cytogenetic location: 22q12.3.
Variant type: single nucleotide variant.
Coding change: c.*2853G>A on transcript NM_000362.5 (MANE Select); 2853 bases downstream of the stop codon, G replaced by A.
Molecular consequence: 3 prime UTR variant. On other transcripts: intron variant (7).
Genome position (GRCh38, 1-based): chr22:32,862,230, G>A. VCF-style: chr22-32862230-G-A. GRCh37 (hg19) VCF-style: chr22-33258217-G-A.
Other names: c.708+2685C>T (NM_001369909.1, NM_001135774.2, NM_001369910.1); c.711+2685C>T (NM_001369907.1, NM_003490.4, NM_001369908.1 and 1 more transcripts).
Identifiers: ClinVar variation 341398 (VCV000341398.6), dbSNP rs2267185, ClinGen allele CA10654093.

ClinVar aggregate classification (germline): Benign. Review status: criteria provided, multiple submitters, no conflicts (2 of 4 stars). 2 submissions from 2 submitters: Benign (2). Last evaluated 2018-01-13.

Conditions:
Sorsby fundus dystrophy (SFD). Also called: MACULAR DYSTROPHY, HEMORRHAGIC; Sorsby fundus dystrophy, Lavia type; FUNDUS DYSTROPHY, PSEUDOINFLAMMATORY, OF SORSBY. Identifiers: Orphanet 59181, MedGen C1850938, MONDO:0007640, OMIM 136900.

Allele frequency attached by ClinVar (database versions not stated): gnomAD 0.09874 and 0.10179; TOPMed 0.10333; 1000 Genomes Project 30x 0.10400; 1000 Genomes Project 0.10603; gnomAD exomes 0.15000.
gnomAD v4.1: 14,948 of 152,218 alleles (9.8%); highest among the groups gnomAD compares: African/African-American, 23%; 1,278 homozygotes.

Submissions (2):

Illumina Laboratory Services, Illumina
Classification: Benign for Sorsby fundus dystrophy. Last evaluated: 2018-01-13. Review status: criteria provided, single submitter. Criteria: ICSL Variant Classification Criteria 13 December 2019. Collection method: clinical testing. Allele origin: germline.
Comment: This variant was observed in the ICSL laboratory as part of a predisposition screen in an ostensibly healthy population. It had not been previously curated by ICSL or reported in the Human Gene Mutation Database (HGMD: prior to June 1st, 2018), and was therefore a candidate for classification through an automated scoring system. Utilizing variant allele frequency, disease prevalence and penetrance estimates, and inheritance mode, an automated score was calculated to assess if this variant is too frequent to cause the disease. Based on the score and internal cut-off values, a variant classified as benign is not then subjected to further curation. The score for this variant resulted in a classification of benign for this disease.

Breakthrough Genomics
Classification: Benign. Review status: criteria provided, single submitter. Criteria: ACMG Guidelines, 2015. Collection method: not provided. Allele origin: germline. Inheritance: Autosomal dominant inheritance. Affected: yes.